The following is an entry in ClinVar:

NM_000548.5(TSC2):c.4006-17G>A

Gene: TSC2 (TSC complex subunit 2; plus strand). Cytogenetic location: 16p13.3.
Variant type: single nucleotide variant.
Coding change: c.4006-17G>A on transcript NM_000548.5 (MANE Select); 17 bases into the intron before coding-DNA position 4006, G replaced by A.
Molecular consequence: intron variant.
Genome position (GRCh38, 1-based): chr16:2,084,211, G>A. VCF-style: chr16-2084211-G-A. GRCh37 (hg19) VCF-style: chr16-2134212-G-A.
Other names: c.3937-17G>A (NM_001114382.3); c.3877-17G>A (NM_021055.3, NM_001370405.1); c.3808-17G>A (NM_001363528.2); c.3874-17G>A (NM_001370404.1); c.3805-17G>A (NM_001077183.3); c.3697-17G>A (NM_001318827.2); c.3274-17G>A (NM_001318831.2); c.3661-17G>A (NM_001318829.2); and 1 more.
Identifiers: ClinVar variation 2027153 (VCV002027153.4), dbSNP rs1264142922, ClinGen allele CA620704963.

ClinVar aggregate classification (germline): Uncertain significance (1 of 4 stars; one submission).

Conditions:
Tuberous sclerosis 2 (TSC2). Identifiers: Orphanet 805, MedGen C1860707, MONDO:0013199, OMIM 613254.

Submission:

Labcorp Genetics (formerly Invitae), Labcorp
Classification: Uncertain significance for Tuberous sclerosis 2. Last evaluated: 2022-08-26. Review status: criteria provided, single submitter. Criteria: Invitae Variant Classification Sherloc (09022015). Collection method: clinical testing. Allele origin: germline.
Comment: In summary, the available evidence is currently insufficient to determine the role of this variant in disease. Therefore, it has been classified as a Variant of Uncertain Significance. Algorithms developed to predict the effect of sequence changes on RNA splicing suggest that this variant may create or strengthen a splice site. This variant has not been reported in the literature in individuals affected with TSC2-related conditions. This variant is not present in population databases (gnomAD no frequency). This sequence change falls in intron 33 of the TSC2 gene. It does not directly change the encoded amino acid sequence of the TSC2 protein.